The following is an entry in ClinVar:

ClinVar aggregate classification (germline): Conflicting classifications of pathogenicity. Review status: criteria provided, conflicting classifications (1 of 4 stars). 3 submissions from 3 submitters: Uncertain significance (1); Likely benign (1). 1 of the submissions does not count toward it. Last evaluated 2023-03-23.

Conditions:
Hereditary cancer-predisposing syndrome. Also called: Hereditary Cancer Syndrome; Neoplastic Syndromes, Hereditary; Hereditary neoplastic syndrome; Tumor predisposition. Identifiers: Orphanet 140162, MedGen C0027672, MeSH D009386, MONDO:0015356.
Breast-ovarian cancer, familial, susceptibility to, 2 (BROVCA2). Also called: BRCA2 Hereditary Breast and Ovarian Cancer. Identifiers: Orphanet 145, MedGen C2675520, MONDO:0012933, OMIM 612555. Disease mechanism: loss of function.

Submissions (3):

University of Washington Department of Laboratory Medicine, University of Washington
Classification: Likely benign for Hereditary cancer-predisposing syndrome. Last evaluated: 2023-03-23. Review status: criteria provided, single submitter. Criteria: Dines et al. (Genet Med. 2020). Collection method: curation. Allele origin: germline.
Comment: Missense variant in a coldspot region where missense variants are very unlikely to be pathogenic (PMID:31911673).

BRCA2 exon 10 coldspot. Reclassification based on statistical prior probability.

Ambry Genetics
Classification: Uncertain significance for Hereditary cancer-predisposing syndrome. Last evaluated: 2015-11-12. Review status: criteria provided, single submitter. Criteria: Ambry Variant Classification Scheme 2023. Collection method: clinical testing. Allele origin: germline.
Comment: The p.K585N variant (also known as c.1755G>T), located in coding exon 9 of the BRCA2 gene, results from a G to T substitution at nucleotide position 1755. The lysine at codon 585 is replaced by asparagine, an amino acid with similar properties. This amino acid position is well conserved in available vertebrate species. In addition, this alteration is predicted to be tolerated by in silico analysis. Since supporting evidence is limited at this time, the clinical significance of p.K585N remains unclear.

Sharing Clinical Reports Project (SCRP)
Classification: Uncertain significance for Breast-ovarian cancer, familial 2. Last evaluated: 2010-02-24. Review status: no assertion criteria provided. Collection method: clinical testing. Allele origin: germline. Not counted in ClinVar's aggregate classification.

NM_000059.4(BRCA2):c.1755G>T (p.Lys585Asn)

Gene: BRCA2 (BRCA2 DNA repair associated; plus strand). Cytogenetic location: 13q13.1.
Variant type: single nucleotide variant.
Coding change: c.1755G>T on transcript NM_000059.4 (MANE Select); coding-DNA position 1755, G replaced by T.
Protein change: p.Lys585Asn; replaces lysine 585 with asparagine.
Molecular consequence: missense variant.
Genome position (GRCh38, 1-based): chr13:32,333,233, G>T. VCF-style: chr13-32333233-G-T. GRCh37 (hg19) VCF-style: chr13-32907370-G-T.
Other names: K585N; 1983G>T; c.1755G>T, p.Lys585Asn (NM_001406719.1, NM_001406720.1, NM_001406721.1).
Identifiers: ClinVar variation 96769 (VCV000096769.6), dbSNP rs431825285, ClinGen allele CA013093.